The following is an entry in ClinVar:

NM_001365276.2(TNXB):c.12632A>G (p.Gln4211Arg)

Genes: TNXB (tenascin XB; minus strand), LOC106780803 (tenascin XB recombination region; plus strand). Cytogenetic location: 6p21.33.
Variant type: single nucleotide variant.
Coding change: c.12632A>G on transcript NM_001365276.2 (MANE Select); coding-DNA position 12632, A replaced by G.
Protein change: p.Gln4211Arg; replaces glutamine 4211 with arginine.
Molecular consequence: missense variant.
Genome position (GRCh38, 1-based): chr6:32,041,772, T>C on the plus strand (A>G on the coding strand, the complement: TNXB is on the minus strand). VCF-style: chr6-32041772-T-C. GRCh37 (hg19) VCF-style: chr6-32009549-T-C.
Other names: p.Gln4209Arg; c.13373A>G, p.Gln4458Arg (NM_001428335.1); c.12626A>G, p.Gln4209Arg (NM_019105.8); c.1919A>G, p.Gln640Arg (NM_032470.4); short protein forms Q4209R, Q4211R, Q4458R, Q640R.
Identifiers: ClinVar variation 4684925 (VCV004684925.1).
Genomic context (GRCh38, chr6:32,041,772, plus strand): 5'-AAACCTAGGCAGGCCGAGCCCCAGCCACCCCAGCTCTGAGCCGCCTCCCCACCCCTCACC[T>C]GATGGTCCACTGTGCTCCCGTAGAGCCCGTTGAGGTTGGCGTAGTGGCAGTTCCTGTACC-3'
Protein context (NP_001352205.1, residues 4201-4221): NGLYGSTVDH[Gln4211Arg]GVSWYHWKGF

ClinVar aggregate classification (germline): Likely benign (1 of 4 stars; one submission).

Submission:

Mayo Clinic Laboratories, Mayo Clinic
Classification: Likely benign. Last evaluated: 2025-10-23. Review status: criteria provided, single submitter. Criteria: ACMG Guidelines, 2015. Collection method: clinical testing. Allele origin: germline. Observed: 1 variant allele.
Comment: BS1, BS2_supporting

Literature cited by the submitters: PubMed 33726816.